The following is an entry in ClinVar:

ClinVar aggregate classification (germline): Uncertain significance. Review status: criteria provided, multiple submitters, no conflicts (2 of 4 stars). 3 submissions from 3 submitters: Uncertain significance (3). Last evaluated 2025-06-03.

Conditions:
Basal cell carcinoma, susceptibility to, 1. Also called: BCC1. Identifiers: MedGen C2751544, MONDO:0011556, OMIM 605462.
Gorlin syndrome. Also called: Basal cell nevus syndrome; Nevoid Basal Cell Carcinoma Syndrome. Identifiers: Orphanet 377, MedGen C0004779, MONDO:0007187.
Holoprosencephaly 7 (HPE7). Identifiers: Orphanet 2162, MedGen C1835820, MONDO:0012562, OMIM 610828.
Hereditary cancer-predisposing syndrome. Also called: Hereditary neoplastic syndrome; Tumor predisposition; Hereditary Cancer Syndrome; Neoplastic Syndromes, Hereditary. Identifiers: Orphanet 140162, MedGen C0027672, MeSH D009386, MONDO:0015356.

Submissions (3):

Labcorp Genetics (formerly Invitae), Labcorp
Classification: Uncertain significance for Gorlin syndrome. Last evaluated: 2025-06-03. Review status: criteria provided, single submitter. Criteria: Invitae Variant Classification Sherloc (09022015). Collection method: clinical testing. Allele origin: germline.
Comment: This sequence change replaces leucine, which is neutral and non-polar, with phenylalanine, which is neutral and non-polar, at codon 317 of the PTCH1 protein (p.Leu317Phe). This variant is not present in population databases (gnomAD no frequency). This variant has not been reported in the literature in individuals affected with PTCH1-related conditions. ClinVar contains an entry for this variant (Variation ID: 578248). Invitae Evidence Modeling of protein sequence and biophysical properties (such as structural, functional, and spatial information, amino acid conservation, physicochemical variation, residue mobility, and thermodynamic stability) indicates that this missense variant is not expected to disrupt PTCH1 protein function with a negative predictive value of 95%. In summary, the available evidence is currently insufficient to determine the role of this variant in disease. Therefore, it has been classified as a Variant of Uncertain Significance.

Ambry Genetics
Classification: Uncertain significance for Hereditary cancer-predisposing syndrome. Last evaluated: 2019-05-10. Review status: criteria provided, single submitter. Criteria: Ambry Variant Classification Scheme 2023. Collection method: clinical testing. Allele origin: germline.
Comment: The p.L317F variant (also known as c.949C>T), located in coding exon 7 of the PTCH1 gene, results from a C to T substitution at nucleotide position 949. The leucine at codon 317 is replaced by phenylalanine, an amino acid with highly similar properties. This amino acid position is not well conserved in available vertebrate species. In addition, this alteration is predicted to be tolerated by in silico analysis. Since supporting evidence is limited at this time, the clinical significance of this alteration remains unclear.

Fulgent Genetics
Classification: Uncertain significance for Basal cell nevus syndrome 1; Basal cell carcinoma, susceptibility to, 1; Holoprosencephaly 7. Last evaluated: 2018-10-31. Review status: criteria provided, single submitter. Criteria: ACMG Guidelines, 2015. Collection method: clinical testing. Allele origin: unknown.

NM_000264.5(PTCH1):c.949C>T (p.Leu317Phe)

Gene: PTCH1 (patched 1; minus strand). Cytogenetic location: 9q22.32.
Variant type: single nucleotide variant.
Coding change: c.949C>T on transcript NM_000264.5 (MANE Select); coding-DNA position 949, C replaced by T.
Protein change: p.Leu317Phe; replaces leucine 317 with phenylalanine.
Molecular consequence: missense variant. On other transcripts: non-coding transcript variant (1).
Genome position (GRCh38, 1-based): chr9:95,480,087, G>A on the plus strand (C>T on the coding strand, the complement: PTCH1 is on the minus strand). VCF-style: chr9-95480087-G-A. GRCh37 (hg19) VCF-style: chr9-98242369-G-A.
Other names: c.751C>T, p.Leu251Phe (NM_001083602.3); c.946C>T, p.Leu316Phe (NM_001083603.3); c.496C>T, p.Leu166Phe (NM_001083604.3, NM_001083605.3, NM_001083606.3 and 1 more transcripts); c.949C>T, p.Leu317Phe (NM_001354918.2); short protein forms L251F, L317F, L316F, L166F.
Identifiers: ClinVar variation 578248 (VCV000578248.14), dbSNP rs1380199153, ClinGen allele CA374119828.